The following is an entry in ClinVar:

NM_001365276.2(TNXB):c.5522del (p.Lys1841fs)

Gene: TNXB (tenascin XB; minus strand). Cytogenetic location: 6p21.33.
Variant type: Deletion.
Coding change: c.5522del on transcript NM_001365276.2 (MANE Select); coding-DNA position 5522, one base deleted (A; older notation c.5522delA).
Protein change: p.Lys1841fs; shifts the reading frame from lysine 1841.
Molecular consequence: frameshift variant.
Genome position (GRCh38, 1-based): chr6:32,069,618, T deleted on the plus strand (A on the coding strand, the reverse complement: TNXB is on the minus strand); the first of 2 consecutive T bases (chr6:32,069,618-32,069,619); deleting either gives the same sequence. VCF-style (leftmost placement, unchanged base first): chr6-32069617-CT-C. GRCh37 (hg19) VCF-style: chr6-32037394-CT-C.
Other names: c.6263del, p.Lys2088fs (NM_001428335.1); c.5522del, p.Lys1841fs (NM_019105.8); short protein forms K1841fs, K2088fs.
Identifiers: ClinVar variation 5014364 (VCV005014364.1).

ClinVar aggregate classification (germline): Pathogenic (1 of 4 stars; one submission).

Conditions:
Ehlers-Danlos syndrome due to tenascin-X deficiency (EDSCLL1). Also called: Ehlers-Danlos syndrome, classic-like, 1; EHLERS-DANLOS SYNDROME, CLASSIC-LIKE; TNXB-Related Classical-Like Ehlers-Danlos Syndrome; EDS DUE TO TNX DEFICIENCY; TNX DEFICIENCY. Identifiers: Orphanet 230839, MedGen C1848029, MONDO:0011670, OMIM 606408.

Submission:

Myriad Genetics, Inc.
Classification: Pathogenic for Ehlers-Danlos syndrome due to tenascin-X deficiency. Last evaluated: 2025-04-30. Review status: criteria provided, single submitter. Criteria: Myriad Autosomal Dominant, Autosomal Recessive and X-Linked Classification Criteria (2023). Collection method: clinical testing. Allele origin: unknown.
Comment: NM_019105.6(TNXB):c.5522delA(K1841Sfs*47) is expected to be pathogenic in the context of classical-like Ehlers-Danlos syndrome, TNXB-related. This variant is predicted to lead to an abnormal or absent protein product due to the creation of a premature termination codon in TNXB, a gene where loss-of-function variants are known to be pathogenic. Please note: this variant was assessed in the context of healthy population screening.